The following is an entry in ClinVar:

ClinVar aggregate classification (germline): Uncertain significance (1 of 4 stars; one submission).

Submission:

Labcorp Genetics (formerly Invitae), Labcorp
Classification: Uncertain significance. Last evaluated: 2022-08-23. Review status: criteria provided, single submitter. Criteria: Invitae Variant Classification Sherloc (09022015). Collection method: clinical testing. Allele origin: germline.
Comment: This variant is a gross deletion of the genomic region encompassing exon(s) 6 of the APC2 gene. This variant would be expected to be in-frame, preserving the integrity of the reading frame. This variant has not been reported in the literature in individuals affected with APC2-related conditions. Experimental studies and prediction algorithms are not available or were not evaluated, and the functional significance of this variant is currently unknown. In summary, the available evidence is currently insufficient to determine the role of this variant in disease. Therefore, it has been classified as a Variant of Uncertain Significance.

NC_000019.9:g.(?_1455264)_(1455852_?)del

Gene: APC2 (APC regulator of WNT signaling pathway 2; plus strand). Cytogenetic location: 19p13.3.
Variant type: Deletion.
Identifiers: ClinVar variation 2425432 (VCV002425432.4).